The following is an entry in ClinVar:

NM_000535.7(PMS2):c.615G>A (p.Gln205=)

Gene: PMS2 (PMS1 homolog 2, mismatch repair system component; minus strand). Cytogenetic location: 7p22.1.
Variant type: single nucleotide variant.
Coding change: c.615G>A on transcript NM_000535.7 (MANE Select); coding-DNA position 615, G replaced by A.
Protein change: p.Gln205=; no amino-acid change (glutamine 205 retained).
Molecular consequence: synonymous variant. On other transcripts: 5 prime UTR variant (2), non-coding transcript variant (1), intron variant (1).
Genome position (GRCh38, 1-based): chr7:5,999,198, C>T on the plus strand (G>A on the coding strand, the complement: PMS2 is on the minus strand). VCF-style: chr7-5999198-C-T. GRCh37 (hg19) VCF-style: chr7-6038829-C-T.
Other names: c.210G>A, p.Gln70= (NM_001322003.2, NM_001322004.2, NM_001322005.2 and 2 more transcripts); c.615G>A, p.Gln205= (NM_001322006.2, NM_001322014.2); c.297G>A, p.Gln99= (NM_001322007.2, NM_001322008.2); c.-319G>A (NM_001322011.2, NM_001322012.2); c.306G>A, p.Gln102= (NM_001322015.2); c.133-1775G>A (NM_001322013.2).
Identifiers: ClinVar variation 793087 (VCV000793087.10), dbSNP rs752499497, ClinGen allele CA453647066.

ClinVar aggregate classification (germline): Benign/Likely benign. Review status: criteria provided, multiple submitters, no conflicts (2 of 4 stars). 3 submissions from 3 submitters: Benign (1); Likely benign (2). Last evaluated 2026-01-13.

Conditions:
Lynch syndrome 4 (LYNCH4). Also called: Hereditary non-polyposis colorectal cancer, type 4; Colorectal cancer, hereditary nonpolyposis, type 4. Identifiers: Orphanet 144, MedGen C1838333, MONDO:0013699, OMIM 614337. Disease mechanism: loss of function.
Hereditary nonpolyposis colorectal neoplasms. Identifiers: MedGen C0009405, MeSH D003123.
Hereditary cancer-predisposing syndrome. Also called: Tumor predisposition; Neoplastic Syndromes, Hereditary; Hereditary Cancer Syndrome; Hereditary neoplastic syndrome. Identifiers: Orphanet 140162, MedGen C0027672, MeSH D009386, MONDO:0015356.

Submissions (3):

Ambry Genetics
Classification: Likely benign for Hereditary cancer-predisposing syndrome. Last evaluated: 2026-01-13. Review status: criteria provided, single submitter. Criteria: Ambry Variant Classification Scheme 2023. Collection method: clinical testing. Allele origin: germline.

Labcorp Genetics (formerly Invitae), Labcorp
Classification: Likely benign for Hereditary nonpolyposis colorectal neoplasms. Last evaluated: 2025-09-10. Review status: criteria provided, single submitter. Criteria: Invitae Variant Classification Sherloc (09022015). Collection method: clinical testing. Allele origin: germline.

Myriad Genetics, Inc.
Classification: Benign for Lynch syndrome 4. Last evaluated: 2025-01-27. Review status: criteria provided, single submitter. Criteria: Myriad Autosomal Dominant, Autosomal Recessive and X-Linked Classification Criteria (2023). Collection method: clinical testing. Allele origin: unknown.
Comment: This variant is considered benign. This variant is a silent/synonymous amino acid change and it is not expected to impact splicing.